The following is an entry in ClinVar:

NC_000023.10:g.(?_85302468)_(85302644_?)del

Gene: CHM (CHM Rab escort protein; minus strand). Cytogenetic location: Xq21.2.
Variant type: Deletion.
Identifiers: ClinVar variation 3245822 (VCV003245822.1).

ClinVar aggregate classification (germline): Pathogenic (1 of 4 stars; one submission).

Submission:

Labcorp Genetics (formerly Invitae), Labcorp
Classification: Pathogenic. Last evaluated: 2023-06-30. Review status: criteria provided, single submitter. Criteria: Invitae Variant Classification Sherloc (09022015). Collection method: clinical testing. Allele origin: unknown.
Comment: For these reasons, this variant has been classified as Pathogenic. A similar copy number variant has been observed in individual(s) with choroideremia (PMID: 12827496, 19597113). This variant is a gross deletion of the genomic region encompassing exon(s) 1 of the CHM gene, which includes the initiator codon. This deletion extends beyond the assayed region for this gene and therefore may encompass additional genes. It is expected to result in an absent or disrupted protein product. Loss-of-function variants in CHM are known to be pathogenic (PMID: 9067750, 23811034).

Literature cited by the submitters: PubMed 12827496; PubMed 19597113; PubMed 9067750; PubMed 23811034.